The following is an entry in ClinVar:

ClinVar aggregate classification (germline): Uncertain significance (1 of 4 stars; one submission).

Conditions:
Myofibrillar myopathy 5. Also called: Filaminopathy (type); FILAMINOPATHY, AUTOSOMAL DOMINANT. Identifiers: Orphanet 171445, MedGen C1836050, MONDO:0012289, OMIM 609524.
Distal myopathy with posterior leg and anterior hand involvement. Also called: WILLIAMS DISTAL MYOPATHY. Identifiers: Orphanet 63273, MedGen C3279722, MONDO:0013550, OMIM 614065.
Hypertrophic cardiomyopathy 26. Also called: Cardiomyopathy, familial hypertrophic, 26. Identifiers: Orphanet 75249, MedGen C4310749, MONDO:0014883, OMIM 617047.

Allele frequency attached by ClinVar (database versions not stated): TOPMed below 0.00001; gnomAD 0.00001.
gnomAD v4.1: 1 of 1,612,834 alleles (0.000062%); highest among the groups gnomAD compares: Non-Finnish European, 0.000085%; no homozygotes.

Submission:

Labcorp Genetics (formerly Invitae), Labcorp
Classification: Uncertain significance for Distal myopathy with posterior leg and anterior hand involvement; Myofibrillar myopathy 5; Hypertrophic cardiomyopathy 26. Last evaluated: 2023-04-19. Review status: criteria provided, single submitter. Criteria: Invitae Variant Classification Sherloc (09022015). Collection method: clinical testing. Allele origin: germline.
Comment: In summary, the available evidence is currently insufficient to determine the role of this variant in disease. Therefore, it has been classified as a Variant of Uncertain Significance. Variants that disrupt the consensus splice site are a relatively common cause of aberrant splicing (PMID: 17576681, 9536098). Algorithms developed to predict the effect of sequence changes on RNA splicing suggest that this variant is not likely to affect RNA splicing. This variant has not been reported in the literature in individuals affected with FLNC-related conditions. This variant is not present in population databases (gnomAD no frequency). This sequence change falls in intron 8 of the FLNC gene. It does not directly change the encoded amino acid sequence of the FLNC protein. It affects a nucleotide within the consensus splice site.

Literature cited by the submitters: PubMed 17576681; PubMed 9536098.

NM_001458.5(FLNC):c.1412-3T>C

Gene: FLNC (filamin C; plus strand). Cytogenetic location: 7q32.1.
Variant type: single nucleotide variant.
Coding change: c.1412-3T>C on transcript NM_001458.5 (MANE Select); 3 bases into the intron before coding-DNA position 1412, T replaced by C.
Molecular consequence: intron variant.
Genome position (GRCh38, 1-based): chr7:128,840,020, T>C. VCF-style: chr7-128840020-T-C. GRCh37 (hg19) VCF-style: chr7-128480074-T-C.
Other names: c.1412-3T>C (NM_001127487.2).
Identifiers: ClinVar variation 2933854 (VCV002933854.3), dbSNP rs1423489676, ClinGen allele CA833135959.